The following is an entry in ClinVar:

ClinVar aggregate classification (germline): Uncertain significance (1 of 4 stars; one submission).

Conditions:
Emery-Dreifuss muscular dystrophy 5, autosomal dominant (EDMD5). Also called: EMERY-DREIFUSS MUSCULAR DYSTROPHY 5. Identifiers: Orphanet 261, MedGen C2751805, MONDO:0013072, OMIM 612999.

Submission:

Labcorp Genetics (formerly Invitae), Labcorp
Classification: Uncertain significance for Emery-Dreifuss muscular dystrophy 5, autosomal dominant. Last evaluated: 2019-03-06. Review status: criteria provided, single submitter. Criteria: Invitae Variant Classification Sherloc (09022015). Collection method: clinical testing. Allele origin: germline.
Comment: This sequence change creates a premature translational stop signal (p.Glu4549Argfs*27) in the SYNE2 gene. It is expected to result in an absent or disrupted protein product. This variant is not present in population databases (ExAC no frequency). This variant has not been reported in the literature in individuals with SYNE2-related conditions. The current clinical and genetic evidence is not sufficient to establish whether loss-of-function variants in SYNE2 cause disease. In summary, the available evidence is currently insufficient to determine the role of this variant in disease. Therefore, it has been classified as a Variant of Uncertain Significance.

NM_182914.3(SYNE2):c.13645del (p.Glu4549fs)

Gene: SYNE2 (spectrin repeat containing nuclear envelope protein 2; plus strand). Cytogenetic location: 14q23.2.
Variant type: Deletion.
Coding change: c.13645del on transcript NM_182914.3 (MANE Select); coding-DNA position 13645, one base deleted (G; older notation c.13645delG).
Protein change: p.Glu4549fs; shifts the reading frame from glutamic acid 4549.
Molecular consequence: frameshift variant.
Genome position (GRCh38, 1-based): chr14:64,126,417, G deleted; the last of 2 consecutive G bases (chr14:64,126,416-64,126,417); deleting either gives the same sequence. VCF-style (leftmost placement, unchanged base first): chr14-64126415-AG-A. GRCh37 (hg19) VCF-style: chr14-64593133-AG-A.
Other names: c.13645del, p.Glu4549fs (NM_015180.6); short protein forms E4549fs.
Identifiers: ClinVar variation 965210 (VCV000965210.3), dbSNP rs2097945797, ClinGen allele CA1139663506.